The following is an entry in ClinVar:

NM_015378.4(VPS13D):c.1166G>T (p.Arg389Leu)

Gene: VPS13D (vacuolar protein sorting 13 homolog D; plus strand). Cytogenetic location: 1p36.22.
Variant type: single nucleotide variant.
Coding change: c.1166G>T on transcript NM_015378.4 (MANE Select); coding-DNA position 1166, G replaced by T.
Protein change: p.Arg389Leu; replaces arginine 389 with leucine.
Molecular consequence: missense variant.
Genome position (GRCh38, 1-based): chr1:12,260,748, G>T. VCF-style: chr1-12260748-G-T. GRCh37 (hg19) VCF-style: chr1-12320805-G-T.
Other names: c.1166G>T, p.Arg389Leu (NM_018156.4); short protein forms R389L.
Identifiers: ClinVar variation 1978894 (VCV001978894.4), dbSNP rs149554788, ClinGen allele CA338462713.
Genomic context (GRCh38, chr1:12,260,748, plus strand): 5'-AACAGGAGGAAATGTGTCGGATTGAAGAGGAACAGAGCTTTGAGGAATTGAAGATTTTGC[G>T]TGAACTGGTTCATGATCGATTTCACAAACAGGAAGAACTAGCAGAGGTAAGAAATCCTCT-3'
Protein context (NP_056193.2, residues 379-399): EQSFEELKIL[Arg389Leu]ELVHDRFHKQ

ClinVar aggregate classification (germline): Uncertain significance (1 of 4 stars; one submission).

gnomAD v4.1: 3 of 1,614,188 alleles (0.00019%); highest among the groups gnomAD compares: Admixed American, 0.0017%; no homozygotes.

Submission:

Labcorp Genetics (formerly Invitae), Labcorp
Classification: Uncertain significance. Last evaluated: 2022-03-18. Review status: criteria provided, single submitter. Criteria: Invitae Variant Classification Sherloc (09022015). Collection method: clinical testing. Allele origin: germline.
Comment: This sequence change replaces arginine, which is basic and polar, with leucine, which is neutral and non-polar, at codon 389 of the VPS13D protein (p.Arg389Leu). This variant is present in population databases (no rsID available, gnomAD 0.003%). This variant has not been reported in the literature in individuals affected with VPS13D-related conditions. Algorithms developed to predict the effect of missense changes on protein structure and function (SIFT, PolyPhen-2, Align-GVGD) all suggest that this variant is likely to be tolerated. In summary, the available evidence is currently insufficient to determine the role of this variant in disease. Therefore, it has been classified as a Variant of Uncertain Significance.